The following is an entry in ClinVar:

ClinVar aggregate classification (germline): Uncertain significance (1 of 4 stars; one submission).

Submission:

ISCA site 4
Classification: Uncertain significance. Last evaluated: 2011-08-12. Review status: criteria provided, single submitter. Criteria: Kaminsky et al. (Genet Med. 2011). Collection method: clinical testing. Allele origin: unknown. Affected: yes. Observed: 1 variant allele.
Comment: Copy number variation identified through the course of routine clinical cytogenomic testing in postnatal populations. Clinical assertions have been curated as described in Kaminsky et al. 2011.

GRCh38/hg38 15q11.2(chr15:22655582-23066575)x1

Genes: CYFIP1 (cytoplasmic FMR1 interacting protein 1; minus strand), NIPA1 (NIPA magnesium transporter 1; plus strand), NIPA2 (NIPA magnesium transporter 2; plus strand), TUBGCP5 (tubulin gamma complex component 5; minus strand), LOC112272575 (Sharpr-MPRA regulatory region 8478; plus strand) and 15 more. Cytogenetic location: 15q11.2.
Variant type: copy number loss.
Change: copy number 1 (one copy instead of two) of chr15:22,655,582-23,066,575 (411.0 kb, GRCh38 coordinates, 1-based), cytogenetic band 15q11.2.
Identifiers: ClinVar variation 161072 (VCV000161072.1).